The following is an entry in ClinVar:

ClinVar aggregate classification (germline): Uncertain significance (1 of 4 stars; one submission).

Conditions:
Inborn genetic diseases. Identifiers: MedGen C0950123, MeSH D030342.

Allele frequency attached by ClinVar (database versions not stated): gnomAD exomes below 0.00001; TOPMed 0.00001.
gnomAD v4.1: 7 of 1,599,024 alleles (0.00044%); highest among the groups gnomAD compares: Non-Finnish European, 0.00051%; no homozygotes.

Submission:

Ambry Genetics
Classification: Uncertain significance for Inborn genetic diseases. Last evaluated: 2023-05-30. Review status: criteria provided, single submitter. Criteria: Ambry Variant Classification Scheme 2023. Collection method: clinical testing. Allele origin: germline.
Comment: The c.2191+6T>C intronic alteration consists of a T to C substitution 6 nucleotides after coding exon 24 in the ADAM22 gene. Based on insufficient or conflicting evidence, the clinical significance of this alteration remains unclear.

NM_001324418.2(ADAM22):c.2191+6T>C

Gene: ADAM22 (ADAM metallopeptidase domain 22; plus strand). Cytogenetic location: 7q21.12.
Variant type: single nucleotide variant.
Coding change: c.2191+6T>C on transcript NM_001324418.2 (MANE Select); 6 bases into the intron after coding-DNA position 2191, T replaced by C.
Molecular consequence: intron variant.
Genome position (GRCh38, 1-based): chr7:88,165,952, T>C. VCF-style: chr7-88165952-T-C. GRCh37 (hg19) VCF-style: chr7-87795267-T-C.
Other names: c.2242+6T>C (NM_001391975.1, NM_001391980.1); c.2167+6T>C (NM_001391982.1); c.2191+6T>C (NM_001324420.2, NM_001391976.1, NM_021723.5 and 6 more transcripts); c.2188+6T>C (NM_001324419.2, NM_001391979.1, NM_001391978.1 and 2 more transcripts).
Identifiers: ClinVar variation 2547202 (VCV002547202.2), dbSNP rs1303979077, ClinGen allele CA843433828.